The following is an entry in ClinVar:

ClinVar aggregate classification (germline): Uncertain significance (1 of 4 stars; one submission).

gnomAD v4.1: 11 of 1,613,886 alleles (0.00068%); highest among the groups gnomAD compares: Non-Finnish European, 0.00093%; no homozygotes.

Submission:

GeneDx
Classification: Uncertain significance. Last evaluated: 2024-01-11. Review status: criteria provided, single submitter. Criteria: GeneDx Variant Classification Process June 2021. Collection method: clinical testing. Allele origin: germline. Affected: yes.
Comment: Not observed at significant frequency in large population cohorts (gnomAD); In silico analysis supports that this variant does not alter splicing; Has not been previously published as pathogenic or benign to our knowledge

NM_018896.5(CACNA1G):c.5524C>T (p.Leu1842=)

Gene: CACNA1G (calcium voltage-gated channel subunit alpha1 G; plus strand). Cytogenetic location: 17q21.33.
Variant type: single nucleotide variant.
Coding change: c.5524C>T on transcript NM_018896.5 (MANE Select); coding-DNA position 5524, C replaced by T.
Protein change: p.Leu1842=; no amino-acid change (leucine 1842 retained).
Molecular consequence: synonymous variant. On other transcripts: non-coding transcript variant (5).
Genome position (GRCh38, 1-based): chr17:50,618,751, C>T. VCF-style: chr17-50618751-C-T. GRCh37 (hg19) VCF-style: chr17-48696112-C-T.
Other names: c.5470C>T, p.Leu1824= (NM_001256324.2, NM_198386.3); c.5545C>T, p.Leu1849= (NM_001256325.2); c.5389C>T, p.Leu1797= (NM_001256326.2, NM_001256330.2); c.5503C>T, p.Leu1835= (NM_001256327.2); c.5449C>T, p.Leu1817= (NM_001256328.2); c.5422C>T, p.Leu1808= (NM_001256329.2, NM_198376.3, NM_198379.3 and 2 more transcripts); c.5368C>T, p.Leu1790= (NM_001256331.2); c.5353C>T, p.Leu1785= (NM_001256332.2); and 7 more.
Identifiers: ClinVar variation 3367702 (VCV003367702.1).